The following is an entry in ClinVar:

ClinVar aggregate classification (germline): Uncertain significance (1 of 4 stars; one submission).

Allele frequency attached by ClinVar (database versions not stated): gnomAD exomes below 0.00001; TOPMed below 0.00001.
gnomAD v4.1: 2 of 1,582,660 alleles (0.00013%); highest among the groups gnomAD compares: Non-Finnish European, 0.00017%; no homozygotes.

Submission:

Labcorp Genetics (formerly Invitae), Labcorp
Classification: Uncertain significance. Last evaluated: 2022-02-28. Review status: criteria provided, single submitter. Criteria: Invitae Variant Classification Sherloc (09022015). Collection method: clinical testing. Allele origin: germline.
Comment: This sequence change replaces leucine, which is neutral and non-polar, with serine, which is neutral and polar, at codon 193 of the PYROXD1 protein (p.Leu193Ser). This variant is not present in population databases (gnomAD no frequency). This variant has not been reported in the literature in individuals affected with PYROXD1-related conditions. Algorithms developed to predict the effect of missense changes on protein structure and function are either unavailable or do not agree on the potential impact of this missense change (SIFT: "Deleterious"; PolyPhen-2: "Possibly Damaging"; Align-GVGD: "Class C0"). In summary, the available evidence is currently insufficient to determine the role of this variant in disease. Therefore, it has been classified as a Variant of Uncertain Significance.

NM_024854.5(PYROXD1):c.578T>C (p.Leu193Ser)

Gene: PYROXD1 (pyridine nucleotide-disulphide oxidoreductase domain 1; plus strand). Cytogenetic location: 12p12.1.
Variant type: single nucleotide variant.
Coding change: c.578T>C on transcript NM_024854.5 (MANE Select); coding-DNA position 578, T replaced by C.
Protein change: p.Leu193Ser; replaces leucine 193 with serine.
Molecular consequence: missense variant. On other transcripts: 5 prime UTR variant (1).
Genome position (GRCh38, 1-based): chr12:21,455,221, T>C. VCF-style: chr12-21455221-T-C. GRCh37 (hg19) VCF-style: chr12-21608155-T-C.
Other names: c.365T>C, p.Leu122Ser (NM_001350912.2); c.-200T>C (NM_001350913.2); short protein forms L122S, L193S.
Identifiers: ClinVar variation 2101762 (VCV002101762.4), dbSNP rs1942573575, ClinGen allele CA384108038.
Genomic context (GRCh38, chr12:21,455,221, plus strand): 5'-GGGCCATTAAAGATAAAGCTATAGGGAATACTTTCTTCGATGCAGGAGCAGCTGAATTCT[T>C]GACTTCAAAGCTCATTGCTGAAAAATCAGAGGCTAAAATTGCACATAAAAGAACCAGATA-3'
Protein context (NP_079130.2, residues 183-203): TFFDAGAAEF[Leu193Ser]TSKLIAEKSE